The following is an entry in ClinVar:

ClinVar aggregate classification (germline): Likely pathogenic (1 of 4 stars; one submission).

Conditions:
RYR1-related disorder. Also called: RYR1-related condition; RYR1-related disorders. Identifiers: MedGen CN239331.

Submission:

Labcorp Genetics (formerly Invitae), Labcorp
Classification: Likely pathogenic for RYR1-related disorder. Last evaluated: 2025-10-02. Review status: criteria provided, single submitter. Criteria: Invitae Variant Classification Sherloc (09022015). Collection method: clinical testing. Allele origin: germline.
Comment: This sequence change affects an acceptor splice site in intron 35 of the RYR1 gene. It is expected to disrupt RNA splicing. Variants that disrupt the donor or acceptor splice site typically lead to a loss of protein function (PMID: 16199547), and loss-of-function variants in RYR1 are known to be pathogenic (PMID: 23919265, 25960145, 28818389, 30611313). This variant is not present in population databases (gnomAD no frequency). This variant has not been reported in the literature in individuals affected with RYR1-related conditions. ClinVar contains an entry for this variant (Variation ID: 3727374). Algorithms developed to predict the effect of sequence changes on RNA splicing suggest that this variant may disrupt the consensus splice site. In summary, the currently available evidence indicates that the variant is pathogenic, but additional data are needed to prove that conclusively. Therefore, this variant has been classified as Likely Pathogenic.

Literature cited by the submitters: PubMed 16199547; PubMed 23919265; PubMed 25960145; PubMed 28818389; PubMed 30611313.

NM_000540.3(RYR1):c.5815-2A>G

Gene: RYR1 (ryanodine receptor 1; plus strand). Cytogenetic location: 19q13.2.
Variant type: single nucleotide variant.
Coding change: c.5815-2A>G on transcript NM_000540.3 (MANE Select); the canonical splice acceptor site of the intron before coding-DNA position 5815, A replaced by G.
Molecular consequence: splice acceptor variant.
Genome position (GRCh38, 1-based): chr19:38,490,074, A>G. VCF-style: chr19-38490074-A-G. GRCh37 (hg19) VCF-style: chr19-38980714-A-G.
Other names: c.5815-2A>G (NM_001042723.2).
Identifiers: ClinVar variation 3727374 (VCV003727374.2).